The following is an entry in ClinVar:

NC_000007.13:g.(?_120428646)_(120428971_?)dup

Gene: TSPAN12 (tetraspanin 12; minus strand). Cytogenetic location: 7q31.31.
Variant type: Duplication.
Identifiers: ClinVar variation 1513243 (VCV001513243.5).

ClinVar aggregate classification (germline): Uncertain significance (1 of 4 stars; one submission).

Submission:

Labcorp Genetics (formerly Invitae), Labcorp
Classification: Uncertain significance. Last evaluated: 2022-02-09. Review status: criteria provided, single submitter. Criteria: Invitae Variant Classification Sherloc (09022015). Collection method: clinical testing. Allele origin: germline.
Comment: In summary, the available evidence is currently insufficient to determine the role of this variant in disease. Therefore, it has been classified as a Variant of Uncertain Significance. Experimental studies and prediction algorithms are not available or were not evaluated, and the functional significance of this variant is currently unknown. This variant has not been reported in the literature in individuals affected with TSPAN12-related conditions. This variant results in a copy number gain of the genomic region encompassing exon(s) 8 of the TSPAN12 gene. This region includes the termination codon of the gene. This copy number gain extends beyond the assayed region for this gene and therefore may encompass additional genes. As the precise location of this event is unknown, it may be in tandem or it may be located elsewhere in the genome.